The following is an entry in ClinVar:

ClinVar aggregate classification (germline): Uncertain significance (1 of 4 stars; one submission).

Conditions:
Glycogen storage disease, type II (IOPD). Also called: Pompe Disease; CARDIOMEGALIA GLYCOGENICA DIFFUSA; GLYCOGENOSIS, GENERALIZED, CARDIAC FORM; GSD II; POMPE DISEASE, INFANTILE-ONSET; GLYCOGEN STORAGE DISEASE II, INFANTILE-ONSET. Identifiers: Orphanet 365, MedGen C0017921, MONDO:0009290, OMIM 232300.

Submission:

Genomenon, Inc
Classification: Uncertain significance for Glycogen storage disease, type II. Last evaluated: 2026-07-01. Review status: criteria provided, single submitter. Criteria: Genomenon Sequence Variant Interpretation Standards - Updated. Collection method: curation. Allele origin: germline. Affected: yes.
Comment: GAA c.-296T>A is a variant located in the 5′ untranslated region (5′ UTR). This variant has been observed in at least one proband with a GAA-related disorder in the compound heterozygous and/or homozygous state (PMID:34305788). Functional studies have been reported (PMID:32071926). It is absent or not present at a significant frequency in gnomAD. In silico models predict that this variant is not damaging. In conclusion, we classify GAA c.-296T>A as a variant of uncertain significance.

Literature cited by the submitters: PubMed 34305788; PubMed 32071926.

NM_000152.5(GAA):c.-296T>A

Genes: GAA (alpha glucosidase; plus strand), LOC130061897 (ATAC-STARR-seq lymphoblastoid silent region 9099; plus strand). Cytogenetic location: 17q25.3.
Variant type: single nucleotide variant.
Coding change: c.-296T>A on transcript NM_000152.5 (MANE Select); 296 bases upstream of the start codon, T replaced by A.
Molecular consequence: 5 prime UTR variant. On other transcripts: splice donor variant (3).
Genome position (GRCh38, 1-based): chr17:80,101,627, T>A. VCF-style: chr17-80101627-T-A. GRCh37 (hg19) VCF-style: chr17-78075426-T-A.
Other names: c.-206T>A (NM_001406741.1); c.-148+2T>A (NM_001406742.1); c.-113+2T>A (NM_001079803.3); c.-33+2T>A (NM_001079804.3).
Identifiers: ClinVar variation 4876251 (VCV004876251.1).
Genomic context (GRCh38, chr17:80,101,627, plus strand): 5'-CGCGCCCCCGGGCACGACCCCGGAGTCTCCGCGGGCGGCCAGGGCGCGCGTGCGCGGAGG[T>A]GAGCCGGGCCGGGGCTGCGGGGCTTCCCTGAGCGCGGGCCGGGTCGGTGGGGCGGTCGGC-3'